The following is an entry in ClinVar:

ClinVar aggregate classification (germline): Uncertain significance. Review status: criteria provided, multiple submitters, no conflicts (2 of 4 stars). 4 submissions from 4 submitters: Uncertain significance (4). Last evaluated 2025-03-05.

Conditions:
Deafness-lymphedema-leukemia syndrome. Also called: Emberger syndrome; Lymphedema, primary, with myelodysplasia. Identifiers: Orphanet 3226, MedGen C3279664, MONDO:0013540, OMIM 614038.
Monocytopenia with susceptibility to infections. Also called: GATA2 DEFICIENCY; MONOCYTOPENIA AND MYCOBACTERIAL INFECTION SYNDROME; MONOCYTOPENIA WITH SUSCEPTIBILITY TO MYCOBACTERIAL, FUNGAL, AND PAPILLOMAVIRUS INFECTIONS AND MYELODYSPLASIA; COMBINED IMMUNODEFICIENCY WITH SUSCEPTIBILITY TO MYCOBACTERIAL, VIRAL, AND FUNGAL INFECTIONS; IMMUNODEFICIENCY 21; Dendritic cell, monocyte, B lymphocyte, and natural killer lymphocyte deficiency. Identifiers: Orphanet 228423, MedGen C3280030, MONDO:0013607, OMIM 614172.
Inborn genetic diseases. Identifiers: MedGen C0950123, MeSH D030342.

Allele frequency attached by ClinVar (database versions not stated): gnomAD exomes below 0.00001; ExAC 0.00001; ESP Exome Variant Server 0.00008.
gnomAD v4.1: 2 of 1,614,240 alleles (0.00012%); highest among the groups gnomAD compares: Admixed American, 0.0017%; no homozygotes.

Submissions (4):

Ambry Genetics
Classification: Uncertain significance for Inborn genetic diseases. Last evaluated: 2025-03-05. Review status: criteria provided, single submitter. Criteria: Ambry Variant Classification Scheme 2023. Collection method: clinical testing. Allele origin: germline.
Comment: The p.N402S variant (also known as c.1205A>G), located in coding exon 5 of the GATA2 gene, results from an A to G substitution at nucleotide position 1205. The asparagine at codon 402 is replaced by serine, an amino acid with highly similar properties. This amino acid position is not well conserved in available vertebrate species. In addition, this alteration is predicted to be tolerated by in silico analysis. Based on the available evidence, the clinical significance of this variant remains unclear.

GeneDx
Classification: Uncertain significance. Last evaluated: 2024-01-12. Review status: criteria provided, single submitter. Criteria: GeneDx Variant Classification Process June 2021. Collection method: clinical testing. Allele origin: germline. Affected: yes.
Comment: Not observed at significant frequency in large population cohorts (gnomAD); In silico analysis supports that this missense variant does not alter protein structure/function; Has not been previously published as pathogenic or benign to our knowledge; This variant is associated with the following publications: (PMID: 30568172)

Labcorp Genetics (formerly Invitae), Labcorp
Classification: Uncertain significance for Monocytopenia with susceptibility to infections; Deafness-lymphedema-leukemia syndrome. Last evaluated: 2023-08-11. Review status: criteria provided, single submitter. Criteria: Invitae Variant Classification Sherloc (09022015). Collection method: clinical testing. Allele origin: germline.
Comment: This variant is present in population databases (rs375927513, gnomAD 0.003%). In summary, the available evidence is currently insufficient to determine the role of this variant in disease. Therefore, it has been classified as a Variant of Uncertain Significance. Advanced modeling of protein sequence and biophysical properties (such as structural, functional, and spatial information, amino acid conservation, physicochemical variation, residue mobility, and thermodynamic stability) performed at Invitae indicates that this missense variant is not expected to disrupt GATA2 protein function. ClinVar contains an entry for this variant (Variation ID: 838976). This variant has not been reported in the literature in individuals affected with GATA2-related conditions. This sequence change replaces asparagine, which is neutral and polar, with serine, which is neutral and polar, at codon 402 of the GATA2 protein (p.Asn402Ser).

Laboratorio de Genetica e Diagnostico Molecular, Hospital Israelita Albert Einstein
Classification: Uncertain significance for Monocytopenia with susceptibility to infections. Last evaluated: 2022-12-22. Review status: criteria provided, single submitter. Criteria: ACMG Guidelines, 2015. Collection method: clinical testing. Allele origin: germline. Affected: yes. Observed: 1 variant allele.
Comment: ACMG classification criteria: PM2 moderated, BP4 supporting

NM_032638.5(GATA2):c.1205A>G (p.Asn402Ser)

Gene: GATA2 (GATA binding protein 2; minus strand). Cytogenetic location: 3q21.3.
Variant type: single nucleotide variant.
Coding change: c.1205A>G on transcript NM_032638.5 (MANE Select); coding-DNA position 1205, A replaced by G.
Protein change: p.Asn402Ser; replaces asparagine 402 with serine.
Molecular consequence: missense variant.
Genome position (GRCh38, 1-based): chr3:128,481,257, T>C on the plus strand (A>G on the coding strand, the complement: GATA2 is on the minus strand). VCF-style: chr3-128481257-T-C. GRCh37 (hg19) VCF-style: chr3-128200100-T-C.
Other names: c.1205A>G, p.Asn402Ser (NM_001145661.2); c.1163A>G, p.Asn388Ser (NM_001145662.1); short protein forms N402S, N388S.
Identifiers: ClinVar variation 838976 (VCV000838976.12), dbSNP rs375927513, ClinGen allele CA2599822.